The following is an entry in ClinVar:

NM_000660.7(TGFB1):c.452C>T (p.Ser151Phe)

Gene: TGFB1 (transforming growth factor beta 1; minus strand). Cytogenetic location: 19q13.2.
Variant type: single nucleotide variant.
Coding change: c.452C>T on transcript NM_000660.7 (MANE Select); coding-DNA position 452, C replaced by T.
Protein change: p.Ser151Phe; replaces serine 151 with phenylalanine.
Molecular consequence: missense variant.
Genome position (GRCh38, 1-based): chr19:41,348,359, G>A on the plus strand (C>T on the coding strand, the complement: TGFB1 is on the minus strand). VCF-style: chr19-41348359-G-A. GRCh37 (hg19) VCF-style: chr19-41854264-G-A.
Other names: short protein forms S151F.
Identifiers: ClinVar variation 2180006 (VCV002180006.4), dbSNP rs374698583, ClinGen allele CA9460090.

ClinVar aggregate classification (germline): Uncertain significance (1 of 4 stars; one submission).

Allele frequency attached by ClinVar (database versions not stated): gnomAD exomes below 0.00001; ExAC 0.00002; gnomAD 0.00003; TOPMed 0.00004; ESP Exome Variant Server 0.00023.
gnomAD v4.1: 11 of 1,613,532 alleles (0.00068%); highest among the groups gnomAD compares: African/African-American, 0.0094%; no homozygotes.

Submission:

Labcorp Genetics (formerly Invitae), Labcorp
Classification: Uncertain significance. Last evaluated: 2025-11-18. Review status: criteria provided, single submitter. Criteria: Invitae Variant Classification Sherloc (09022015). Collection method: clinical testing. Allele origin: germline.
Comment: This sequence change replaces serine, which is neutral and polar, with phenylalanine, which is neutral and non-polar, at codon 151 of the TGFB1 protein (p.Ser151Phe). This variant is present in population databases (rs374698583, gnomAD 0.02%). This variant has not been reported in the literature in individuals affected with TGFB1-related conditions. ClinVar contains an entry for this variant (Variation ID: 2180006). Invitae Evidence Modeling of protein sequence and biophysical properties (such as structural, functional, and spatial information, amino acid conservation, physicochemical variation, residue mobility, and thermodynamic stability) indicates that this missense variant is not expected to disrupt TGFB1 protein function with a negative predictive value of 80%. In summary, the available evidence is currently insufficient to determine the role of this variant in disease. Therefore, it has been classified as a Variant of Uncertain Significance.